The following is an entry in ClinVar:

ClinVar aggregate classification (germline): Pathogenic/Likely pathogenic. Review status: criteria provided, multiple submitters, no conflicts (2 of 4 stars). 2 submissions from 2 submitters: Pathogenic (1); Likely pathogenic (1). Last evaluated 2024-04-23.

Conditions:
Combined immunodeficiency due to DOCK8 deficiency (HIES2). Also called: HYPER-IgE SYNDROME 2, AUTOSOMAL RECESSIVE, WITH RECURRENT INFECTIONS; HIES autosomal recessive; Hyper-IgE recurrent infection syndrome, autosomal recessive; HYPER-IgE RECURRENT INFECTION SYNDROME 2, AUTOSOMAL RECESSIVE; DOCK8 Deficiency. Identifiers: Orphanet 217390, MedGen C4722305, MONDO:0009478, OMIM 243700.

Allele frequency attached by ClinVar (database versions not stated): ExAC 0.00001; gnomAD 0.00001; TOPMed 0.00001.
gnomAD v4.1: 15 of 1,614,038 alleles (0.00093%); highest among the groups gnomAD compares: Non-Finnish European, 0.0013%; no homozygotes.

Submissions (2):

Fulgent Genetics
Classification: Likely pathogenic for Combined immunodeficiency due to DOCK8 deficiency. Last evaluated: 2024-04-23. Review status: criteria provided, single submitter. Criteria: ACMG Guidelines, 2015. Collection method: clinical testing. Allele origin: germline.

Rady Children's Institute for Genomic Medicine, Rady Children's Hospital San Diego
Classification: Pathogenic for DOCK8 Deficiency. Review status: criteria provided, single submitter. Criteria: ACMG Guidelines, 2015. Collection method: clinical testing. Allele origin: germline. Affected: yes.
Comment: This nonsense variant found in exon 12 of 48 is predicted to result in loss of normal protein function through either protein truncation or nonsense-mediated mRNA decay (NMD). This variant has been previously reported as homozygous change in patients with DOCK8 deficiency (alternative nomenclature using NM_203447.3: c.1153G>T (p.Glu385Ter), PMID: 19776401). It is present in the heterozygous state in the gnomAD population database at a frequency of 0.0004% (1/251374) and thus is presumed to be rare. Based on the available evidence, the c.1357G>T (p.Glu453Ter) variant is classified as Pathogenic.

NM_203447.4(DOCK8):c.1357G>T (p.Glu453Ter)

Gene: DOCK8 (dedicator of cytokinesis 8; plus strand). Cytogenetic location: 9p24.3.
Variant type: single nucleotide variant.
Coding change: c.1357G>T on transcript NM_203447.4 (MANE Select); coding-DNA position 1357, G replaced by T.
Protein change: p.Glu453Ter; replaces glutamic acid 453 with a stop codon.
Molecular consequence: nonsense.
Genome position (GRCh38, 1-based): chr9:336,653, G>T. VCF-style: chr9-336653-G-T. GRCh37 (hg19) VCF-style: chr9-336653-G-T.
Other names: c.1153G>T, p.Glu385Ter (NM_001190458.2, NM_001193536.2); short protein forms E385*, E453*.
Identifiers: ClinVar variation 2584447 (VCV002584447.2), dbSNP rs113203757, ClinGen allele CA4957702.